The following is an entry in ClinVar:

GRCh38/hg38 4p16.3(chr4:36424-1562150)x1

Genes: ATP5ME (ATP synthase membrane subunit e; minus strand), CPLX1 (complexin 1; minus strand), CPLX1-AS1 (CPLX1 antisense RNA 1; plus strand), CRIPAK (cysteine rich PAK1 inhibitor; plus strand), CTBP1 (C-terminal binding protein 1; minus strand) and 91 more. Cytogenetic location: 4p16.3.
Variant type: copy number loss.
Change: copy number 1 (one copy instead of two) of chr4:36,424-1,562,150 (1.53 Mb, GRCh38 coordinates, 1-based), cytogenetic band 4p16.3.
Identifiers: ClinVar variation 155150 (VCV000155150.4).

ClinVar aggregate classification (germline): Uncertain significance (0 of 4 stars; one submission).

Submission:

ISCA site 1
Classification: Uncertain significance. Last evaluated: 2018-02-14. Review status: no assertion criteria provided. Collection method: clinical testing. Allele origin: unknown. Affected: yes. Observed: 1 variant allele.
Comment: Smaller than typical deletion size.

Copy number variation identified through the course of routine clinical cytogenomic testing in postnatal populations, with clinical assertions as classified by the original submitter. For data from the original published study, Kaminsky, et al. 2011 (PubMed 21844811), please see nstd101.